The following is an entry in ClinVar:

ClinVar aggregate classification (germline): Uncertain significance (1 of 4 stars; one submission).

Conditions:
Alpha thalassemia-X-linked intellectual disability syndrome (ATRX). Also called: ALPHA-THALASSEMIA/MENTAL RETARDATION SYNDROME, X-LINKED; ATR, NONDELETION TYPE; ALPHA-THALASSEMIA/IMPAIRED INTELLECTUAL DEVELOPMENT SYNDROME, X-LINKED; X-linked alpha-thalassemia-mental retardation syndrome; ATR-X syndrome; Alpha thalassemia mental retardation syndrome, nondeletion type, X-linked. Identifiers: Orphanet 847, MedGen C1845055, MONDO:0010519, OMIM 301040.

Submission:

Labcorp Genetics (formerly Invitae), Labcorp
Classification: Uncertain significance for Alpha thalassemia-X-linked intellectual disability syndrome. Last evaluated: 2017-11-02. Review status: criteria provided, single submitter. Criteria: Invitae Variant Classification Sherloc (09022015). Collection method: clinical testing. Allele origin: germline.
Comment: This sequence change affects codon 1855 of the ATRX mRNA. It is a 'silent' change, meaning that it does not change the encoded amino acid sequence of the ATRX protein. This variant is not present in population databases (ExAC no frequency). This variant has not been reported in the literature in individuals with ATRX-related disease. Algorithms developed to predict the effect of sequence changes on RNA splicing suggest that this variant may disrupt the consensus splice site, but this prediction has not been confirmed by published transcriptional studies. In summary, the available evidence is currently insufficient to determine the role of this variant in disease. Therefore, it has been classified as a Variant of Uncertain Significance.

NM_000489.6(ATRX):c.5565A>G (p.Thr1855=)

Gene: ATRX (ATRX chromatin remodeler; minus strand). Cytogenetic location: Xq21.1.
Variant type: single nucleotide variant.
Coding change: c.5565A>G on transcript NM_000489.6 (MANE Select); coding-DNA position 5565, A replaced by G.
Protein change: p.Thr1855=; no amino-acid change (threonine 1855 retained).
Molecular consequence: synonymous variant.
Genome position (GRCh38, 1-based): chrX:77,616,614, T>C on the plus strand (A>G on the coding strand, the complement: ATRX is on the minus strand). VCF-style: chrX-77616614-T-C. GRCh37 (hg19) VCF-style: chrX-76872082-T-C.
Other names: c.5451A>G, p.Thr1817= (NM_138270.5).
Identifiers: ClinVar variation 533631 (VCV000533631.3), dbSNP rs1557096967, ClinGen allele CA517375115.
Genomic context (GRCh38, chrX:77,616,614, plus strand): 5'-TTCTTTGGAAAAAGAATGTCTTTATAGAGAAGATGAAATCAACAAGGTGTATTGTTTACC[T>C]GTTAAGTGATCTAAGTAGTACTGATAGAGCTTGCACTGAATAGAAGTCATTCTCACAGCT-3'
Protein context (NP_000480.3, residues 1845-1865): KLYQYYLDHL[Thr1855=]GVGNNSEGGR